The following is an entry in ClinVar:

ClinVar aggregate classification (germline): Uncertain significance (1 of 4 stars; one submission).

Submission:

Women's Health and Genetics/Laboratory Corporation of America, LabCorp
Classification: Uncertain significance. Last evaluated: 2024-09-10. Review status: criteria provided, single submitter. Criteria: LabCorp Variant Classification Summary - May 2015. Collection method: clinical testing. Allele origin: germline.
Comment: Variant summary: The variant involves the duplication of exon 1 in the ATAD3A gene. A presumed nomenclature of c.(?_-108)_(205+1_206-1)dup has been designated for the purposes of this classification. The exact breakpoint at the 5' end of this variant is unknown, therefore this duplication may extend upstream of the annotated region of this gene. It is predicted to duplicate a segment including the initiation codon, therefore its impact on the encoded protein is unknown. The variant was absent in 21690 control chromosomes. The available data on variant occurrences in the general population are insufficient to allow any conclusion about variant significance. To our knowledge, no occurrence of c.(?_-108)_(205+1_206-1)dup in individuals affected with Harel-Yoon Syndrome Recessive and no experimental evidence demonstrating its impact on protein function have been reported. No submitters have cited clinical-significance assessments for this variant to ClinVar. Based on the evidence outlined above, the variant was classified as uncertain significance.

NC_000001.10:g.(?_1447541)_(1447854_1451391)dup

Gene: ATAD3A (ATPase family AAA domain containing 3A; plus strand). Cytogenetic location: 1p36.33.
Variant type: Duplication.
Identifiers: ClinVar variation 3374940 (VCV003374940.1).